The following is an entry in ClinVar:

NM_018671.5(UNC45A):c.1308C>T (p.Ser436=)

Gene: UNC45A (unc-45 myosin chaperone A; plus strand). Cytogenetic location: 15q26.1.
Variant type: single nucleotide variant.
Coding change: c.1308C>T on transcript NM_018671.5 (MANE Select); coding-DNA position 1308, C replaced by T.
Protein change: p.Ser436=; no amino-acid change (serine 436 retained).
Molecular consequence: synonymous variant.
Genome position (GRCh38, 1-based): chr15:90,946,722, C>T. VCF-style: chr15-90946722-C-T. GRCh37 (hg19) VCF-style: chr15-91489952-C-T.
Other names: c.1263C>T, p.Ser421= (NM_001039675.2, NM_001323621.2); c.1308C>T, p.Ser436= (NM_001323619.1); c.873C>T, p.Ser291= (NM_001323620.2).
Identifiers: ClinVar variation 1560025 (VCV001560025.10), dbSNP rs552549904, ClinGen allele CA7742862.

ClinVar aggregate classification (germline): Likely benign. Review status: criteria provided, multiple submitters, no conflicts (2 of 4 stars). 3 submissions from 3 submitters: Likely benign (3). Last evaluated 2026-07-05.

Conditions:
UNC45A-related disorder. Also called: UNC45A-related condition.

Allele frequency attached by ClinVar (database versions not stated): gnomAD 0.00005 and 0.00006; gnomAD exomes 0.00010 and 0.00011; ExAC 0.00011; TOPMed 0.00011; 1000 Genomes Project 0.00020; 1000 Genomes Project 30x 0.00031.
gnomAD v4.1: 147 of 1,613,502 alleles (0.0091%); highest among the groups gnomAD compares: South Asian, 0.11%; no homozygotes.

Submissions (3):

PreventionGenetics, part of Exact Sciences
Classification: Likely benign for UNC45A-related condition. Last evaluated: 2026-07-05. Review status: criteria provided, single submitter. Criteria: ACMG Guidelines, 2015. Collection method: clinical testing. Allele origin: germline.
Comment: This variant is classified as likely benign based on ACMG/AMP sequence variant interpretation guidelines (Richards et al. 2015 PMID: 25741868, with internal and published modifications).

Labcorp Genetics (formerly Invitae), Labcorp
Classification: Likely benign. Last evaluated: 2025-12-10. Review status: criteria provided, single submitter. Criteria: Invitae Variant Classification Sherloc (09022015). Collection method: clinical testing. Allele origin: germline.

Breakthrough Genomics
Classification: Likely benign. Review status: criteria provided, single submitter. Criteria: ACMG Guidelines, 2015. Collection method: not provided. Allele origin: germline. Inheritance: Autosomal recessive inheritance. Affected: yes.